The following is an entry in ClinVar:

NM_000143.4(FH):c.40dup (p.Leu14fs)

Gene: FH (fumarate hydratase; minus strand). Cytogenetic location: 1q43.
Variant type: Duplication.
Coding change: c.40dup on transcript NM_000143.4 (MANE Select); coding-DNA position 40, one base duplicated (C; older notation c.40dupC).
Protein change: p.Leu14fs; shifts the reading frame from leucine 14.
Molecular consequence: frameshift variant.
Genome position (GRCh38, 1-based): chr1:241,519,683, G duplicated on the plus strand (C on the coding strand, the reverse complement: FH is on the minus strand); the first of 4 consecutive G bases (chr1:241,519,683-241,519,686); duplicating any one gives the same sequence. VCF-style (leftmost placement, unchanged base first): chr1-241519682-A-AG. GRCh37 (hg19) VCF-style: chr1-241682982-A-AG.
Other names: c.40dupC (NM_000143.3, NM_000143.4); short protein forms L14fs.
Identifiers: ClinVar variation 405920 (VCV000405920.35), dbSNP rs1060500900, ClinGen allele CA16610047.
Genomic context (GRCh38, chr1:241,519,682, plus strand): 5'-GGCACGGCCGCGCCACCCAAGCCGGGAGCCGAAGCTAAGGCTGCGGCTGGAGCCCGCACG[A>AG]GGGGACGCGAGCGCGCGAGGAGCCGAAGTGCTCGGTACATGGTGCTGAGGGAGCTTGGGT-3'

ClinVar aggregate classification (germline): Conflicting classifications of pathogenicity. Review status: criteria provided, conflicting classifications (1 of 4 stars). 12 submissions from 12 submitters: Pathogenic (2); Likely pathogenic (5); Uncertain significance (5). Last evaluated 2026-10-22.

Conditions:
Fumarase deficiency (FMRD). Also called: Fumaric aciduria; Fumarate Hydratase Deficiency. Identifiers: Orphanet 24, MedGen C0342770, MONDO:0011730, OMIM 606812.
Hereditary leiomyomatosis and renal cell cancer. Also called: Reed syndrome; Multiple cutaneous and uterine leiomyomatosis; Cutaneous leiomyomata with uterine leiomyomata; Leiomyoma, hereditary multiple, of skin; Multiple cutaneous and uterine leiomyomata; MULTIPLE CUTANEOUS AND UTERINE LEIOMYOMATA 1, WITH OR WITHOUT RENAL CELL CARCINOMA. Identifiers: Orphanet 523, MedGen C1708350, MONDO:0007888, OMIM 150800, HP:0007437. Disease mechanism: loss of function.
FH-related disorder. Also called: FH-related disorders; FH-related condition.
Hereditary cancer-predisposing syndrome. Also called: Tumor predisposition; Neoplastic Syndromes, Hereditary; Hereditary Cancer Syndrome; Hereditary neoplastic syndrome. Identifiers: Orphanet 140162, MedGen C0027672, MeSH D009386, MONDO:0015356.

Submissions (12):

GeneDx
Classification: Uncertain significance. Last evaluated: 2026-10-22. Review status: criteria provided, single submitter. Criteria: GeneDx Variant Classification Process June 2021. Collection method: clinical testing. Allele origin: germline.
Comment: Observed in a patient with an isolated cutaneous leiomyosarcoma and reduced FH enzyme activity and in individuals with paraganglioma or neuroendocrine tumor, but also seen in adult individuals tested at GeneDx without any personal or family history of HLRCC-related disease (PMID: 25913776, 34750850, 35988656); Frameshift variant in a gene for which loss-of-function is a known mechanism of disease; however, a downstream in-frame ATG could serve as an alternate initiator codon (PMID: 27037871); Not observed at significant frequency in large population cohorts (gnomAD); This variant is associated with the following publications: (PMID: 28300276, 33084842, 34750850, 25913776, 27037871, 35988656, Madya2025[CaseReport], 39096151, 40974092)

OLLIN Analises Genomicas, OLLIN
Classification: Likely pathogenic for Fumarase deficiency. Last evaluated: 2026-02-13. Review status: criteria provided, single submitter. Criteria: ACMG Guidelines 2015 PMID 25741868. Collection method: clinical testing. Allele origin: germline. Observed: 1 variant allele.
Comment: PVS1, PM2_P

Labcorp Genetics (formerly Invitae), Labcorp
Classification: Pathogenic. Last evaluated: 2025-12-22. Review status: criteria provided, single submitter. Criteria: Invitae Variant Classification Sherloc (09022015). Collection method: clinical testing. Allele origin: germline.
Comment: This sequence change creates a premature translational stop signal (p.Leu14Profs*42) in the FH gene. FH has two initiator codons, p.Met1 and p.Met44, which result in two different functional isoforms that localize to the mitochondria and cytosol, respectively (PMID: 21929734, 27037871). Loss-of-function variants in FH are known to be pathogenic (PMID: 11865300, 21398687). Variants affecting the mitochondrial isoform confer risk for fumarate hydratase deficiency, while variants that affect the cytosolic isoform confer risk for FH tumor predisposition syndrome. This variant is present in population databases (no rsID available, gnomAD 0.006%). This premature translational stop signal has been observed in individual(s) with a primary cutaneous leiomyosarcoma (PMID: 25913776). ClinVar contains an entry for this variant (Variation ID: 405920). This variant disrupts the mitochondria-targeting sequence (MTS) of the FH protein, which is important for protein import into the mitochondria (PMID: 27037871). This suggests that disruption of this region is causative of fumarate hydratase deficiency. For these reasons, this variant has been classified as Pathogenic for autosomal recessive fumarate hydratase deficiency. However, this variant is not likely to confer risk for autosomal dominant FH tumor predisposition syndrome.

Natera, Inc.
Classification: Likely pathogenic for Fumarase Deficiency. Last evaluated: 2025-12-08. Review status: criteria provided, single submitter. Criteria: Natera Variant Classification Schema (03/2026). Collection method: clinical testing. Allele origin: germline.
Comment: The c.40dupC variant in FH is a frameshift variant predicted to shift the reading frame beginning at codon 14 and leads to a stop codon 42 codons downstream. This variant is expected to result in nonsense mediated decay, truncation, or a dysfunctional protein product. This variant is rare in the general population with a frequency below the threshold expected for the associated phenotype(s). Given the available evidence, this variant is classified as Likely Pathogenic.

PreventionGenetics, part of Exact Sciences
Classification: Likely pathogenic for FH-related condition. Last evaluated: 2025-11-10. Review status: criteria provided, single submitter. Criteria: ACMG Guidelines, 2015. Collection method: clinical testing. Allele origin: germline.
Comment: The FH c.40dupC variant is predicted to result in a frameshift and premature protein termination (p.Leu14Profs*42). The c.40dupC variant is predicted to result in the selective premature termination of the mitochondrial isoform of FH (Dik et al. 2016. PubMed ID: 27037871) and frameshift variants in this isoform are expected to be pathogenic for autosomal recessive fumarase deficiency. To our knowledge, this variant has not been reported in the literature in the context of fumarase deficiency. Instead, it has been reported in multiple individuals with leiomyomatosis, paragangliomas, or adrenal cancer (Weiler et al. 2016. PubMed ID: 25913776; Parisien-La Salle et al. 2021. PubMed ID: 34750850; Table S5, Jahn et al. 2022. PubMed ID: 35988656). This variant is reported in 0.0041% of alleles in individuals of Latino descent in gnomAD and has conflicting interpretations in Clinvar, ranging from Pathogenic to Uncertain (Variation ID: 405920). At this time, this variant is interpreted as likely pathogenic for autosomal recessive fumarase deficiency. However, the clinical significance of this variant is uncertain for autosomal dominant leiomyomatosis and renal cell cancer.

Quest Diagnostics Nichols Institute San Juan Capistrano
Classification: Uncertain significance. Last evaluated: 2025-06-24. Review status: criteria provided, single submitter. Criteria: Quest Diagnostics criteria. Collection method: clinical testing. Allele origin: unknown.
Comment: The FH c.40dup (p.Leu14Profs*42) variant alters the translational reading frame of the FH mRNA and is predicted to cause the premature termination of FH protein synthesis. However, an alternate initiation methionine has been discovered downstream in exon1 (p.Met44) which has been reported to initiate protein synthesis (PMID: 27037871 (2016)). In the published literature, this variant has been reported in individuals with hereditary leiomyomatosis and renal cell carcinoma (HLRCC) (PMID: 28300276 (2017), 25913776 (2016)) and head and neck paraganglioma (PMID: 34750850 (2022)). The frequency of this variant in the general population (Genome Aggregation Database) is uninformative in the assessment of its pathogenicity. Based on the available information, we are unable to determine the clinical significance of this variant.

Center for Genomic Medicine, Rigshospitalet, Copenhagen University Hospital
Classification: Likely pathogenic. Last evaluated: 2025-03-04. Review status: criteria provided, single submitter. Criteria: ACMG Guidelines, 2015. Collection method: clinical testing. Allele origin: germline.

Ambry Genetics
Classification: Uncertain significance for Hereditary cancer-predisposing syndrome. Last evaluated: 2025-01-09. Review status: criteria provided, single submitter. Criteria: Ambry Variant Classification Scheme 2023. Collection method: clinical testing. Allele origin: germline.
Comment: The c.40dupC variant, located in coding exon 1 of the FH gene, results from a duplication of C at nucleotide position 40, causing a translational frameshift with a predicted alternate stop codon (p.L14Pfs*42). This alteration is expected to result in loss of function by premature protein truncation or nonsense-mediated mRNA decay. However, there is a second in-frame methionine at p.M44. Proteins initiated from the first methionine are targeted to the mitochondrion while proteins initiated from the second methionine are targeted to the cytoplasm due to the lack of the mitochondrial targeting sequence encoded between them (Dik E et al. Traffic, 2016 Jul;17:720-32, Magrane M et al., Database (Oxford) 2011; bar009). Data suggest that it is the cytoplasmic protein that conveys the tumor suppressor function of FH (Yogev O et al. PLoS Biol., 2010 Mar;8:e1000328). This variant, designated as c.40dup (p.Leu14fs) has been reported in a French cohort of individuals with HLRCC (Muller M et al. Clin Genet, 2017 Dec;92:606-615). This alteration and others that are expected to adversely affect the protein before the second methionine, have been observed in numerous individuals who do not have a personal or family history that is consistent with or suggestive of HLRCC (Ambry internal data). The clinical impact of this variant in terms of the fumarase deficiency is also unclear due to the lack of this variant being associated with this autosomal recessive disease in the literature and internally. Based on the available evidence, the clinical significance of this variant remains unclear.

Institute for Genomic Medicine (IGM) Clinical Laboratory, Nationwide Children's Hospital
Classification: Uncertain significance for Hereditary leiomyomatosis and renal cell cancer. Last evaluated: 2025-01-09. Review status: criteria provided, single submitter. Criteria: ACMG Guidelines, 2015. Collection method: clinical testing. Allele origin: germline.
Comment: Well-established functional studies have demonstrated this variant to have a damaging effect on protein function or splicing (ACMG/AMP: PS3_Supporting; PMID:25913776).

Blueprint Genetics
Classification: Likely pathogenic for FH-related disorders. Last evaluated: 2024-09-05. Review status: criteria provided, single submitter. Criteria: ACMG Guidelines, 2015. Collection method: clinical testing. Allele origin: de novo. Affected: yes. Observed: 5 variant alleles.

Fulgent Genetics
Classification: Pathogenic for Hereditary leiomyomatosis and renal cell cancer; Fumarase deficiency. Last evaluated: 2024-05-13. Review status: criteria provided, single submitter. Criteria: ACMG Guidelines, 2015. Collection method: clinical testing. Allele origin: germline.

Baylor Genetics
Classification: Uncertain significance for Fumarase deficiency. Last evaluated: 2024-03-20. Review status: criteria provided, single submitter. Criteria: ACMG Guidelines, 2015. Collection method: clinical testing. Allele origin: unknown.

Literature cited by the submitters: PubMed 21929734 (cited by Labcorp Genetics (formerly Invitae), Labcorp); PubMed 27037871 (cited by 4 submitters); PubMed 11865300 (cited by Labcorp Genetics (formerly Invitae), Labcorp); PubMed 21398687 (cited by Labcorp Genetics (formerly Invitae), Labcorp); PubMed 25913776 (cited by 5 submitters); PubMed 35988656 (cited by Quest Diagnostics Nichols Institute San Juan Capistrano and Ambry Genetics); PubMed 34750850 (cited by Quest Diagnostics Nichols Institute San Juan Capistrano); PubMed 28300276 (cited by Quest Diagnostics Nichols Institute San Juan Capistrano and Ambry Genetics); PubMed 20231875 (cited by Center for Genomic Medicine, Rigshospitalet, Copenhagen University Hospital and Ambry Genetics); PubMed 21447597 (cited by Ambry Genetics).